The following is an entry in ClinVar:

NM_022051.3(EGLN1):c.326A>G (p.Lys109Arg)

Gene: EGLN1 (egl-9 family hypoxia inducible factor 1; minus strand). Cytogenetic location: 1q42.2.
Variant type: single nucleotide variant.
Coding change: c.326A>G on transcript NM_022051.3 (MANE Select); coding-DNA position 326, A replaced by G.
Protein change: p.Lys109Arg; replaces lysine 109 with arginine.
Molecular consequence: missense variant.
Genome position (GRCh38, 1-based): chr1:231,421,563, T>C on the plus strand (A>G on the coding strand, the complement: EGLN1 is on the minus strand). VCF-style: chr1-231421563-T-C. GRCh37 (hg19) VCF-style: chr1-231557309-T-C.
Other names: c.326A>G, p.Lys109Arg (NM_001377260.1, NM_001377261.1); short protein forms K109R.
Identifiers: ClinVar variation 1729598 (VCV001729598.2), dbSNP rs2527360716, ClinGen allele CA345237713.
Genomic context (GRCh38, chr1:231,421,563, plus strand): 5'-GCACGACACGGCGACGCGGCCGCCGCTGGGTCGGCCGGGGGCTTGGCCTTTACTTTTCCC[T>C]TGGCCGCGTCCCCGGAGGCGTTGTCCCGGCGCGCCGCTGCCTTCCTGGGCTCCCGGGCCC-3'
Protein context (NP_071334.1, residues 99-119): RRDNASGDAA[Lys109Arg]GKVKAKPPAD

ClinVar aggregate classification (germline): Uncertain significance (1 of 4 stars; one submission).

Allele frequency attached by ClinVar (database versions not stated): gnomAD exomes below 0.00001.
gnomAD v4.1: 1 of 1,309,092 alleles (0.000076%); highest among the groups gnomAD compares: Non-Finnish European, 0.000097%; no homozygotes.

Submission:

Ambry Genetics
Classification: Uncertain significance. Last evaluated: 2021-10-05. Review status: criteria provided, single submitter. Criteria: Ambry Variant Classification Scheme 2023. Collection method: clinical testing. Allele origin: germline.
Comment: The p.K109R variant (also known as c.326A>G), located in coding exon 1 of the EGLN1 gene, results from an A to G substitution at nucleotide position 326. The lysine at codon 109 is replaced by arginine, an amino acid with highly similar properties. This amino acid position is conserved. In addition, this alteration is predicted to be tolerated by in silico analysis. Since supporting evidence is limited at this time, the clinical significance of this alteration remains unclear.